The following is an entry in ClinVar:

ClinVar aggregate classification (germline): Uncertain significance. Review status: criteria provided, multiple submitters, no conflicts (2 of 4 stars). 3 submissions from 3 submitters: Uncertain significance (3). Last evaluated 2024-11-22.

Conditions:
Glycogen storage disease type III (GSD3). Also called: FORBES DISEASE; Cori disease. Identifiers: Orphanet 366, MedGen C0017922, MONDO:0009291, OMIM 232400.

Submissions (3):

Labcorp Genetics (formerly Invitae), Labcorp
Classification: Uncertain significance for Glycogen storage disease type III. Last evaluated: 2024-11-22. Review status: criteria provided, single submitter. Criteria: Invitae Variant Classification Sherloc (09022015). Collection method: clinical testing. Allele origin: germline.
Comment: This sequence change replaces serine, which is neutral and polar, with cysteine, which is neutral and slightly polar, at codon 941 of the AGL protein (p.Ser941Cys). This variant is not present in population databases (gnomAD no frequency). This variant has not been reported in the literature in individuals affected with AGL-related conditions. ClinVar contains an entry for this variant (Variation ID: 2585618). Invitae Evidence Modeling of protein sequence and biophysical properties (such as structural, functional, and spatial information, amino acid conservation, physicochemical variation, residue mobility, and thermodynamic stability) indicates that this missense variant is expected to disrupt AGL protein function with a positive predictive value of 80%. In summary, the available evidence is currently insufficient to determine the role of this variant in disease. Therefore, it has been classified as a Variant of Uncertain Significance.

Blueprint Genetics
Classification: Uncertain significance. Last evaluated: 2024-07-08. Review status: criteria provided, single submitter. Criteria: ACMG Guidelines, 2015. Collection method: clinical testing. Allele origin: germline.

Neuberg Centre For Genomic Medicine, NCGM
Classification: Uncertain significance for Glycogen storage disease type III. Review status: criteria provided, single submitter. Criteria: ACMG Guidelines, 2015. Collection method: clinical testing. Allele origin: germline. Inheritance: Autosomal recessive inheritance. Affected: yes.
Comment: The c.2822C>G (p.Ser941Cys) missense variant in AGL gene has not been reported previously as a pathogenic variant nor as a benign variant, to our knowledge. The p.Ser941Cys variant is novel (not in any individuals) in gnomAD Exomes and 1000 Genomes. The amino acid Ser at position 941 is changed to a Cys changing protein sequence and it might alter its composition and physico-chemical properties. The amino acid change p.Ser941Cys in AGL is predicted as conserved by GERP++ and PhyloP across 100 vertebrates. For these reasons, this variant has been classified as Variant of Uncertain Significance (VUS).

NM_000642.3(AGL):c.2822C>G (p.Ser941Cys)

Gene: AGL (amylo-alpha-1,6-glucosidase and 4-alpha-glucanotransferase; plus strand). Cytogenetic location: 1p21.2.
Variant type: single nucleotide variant.
Coding change: c.2822C>G on transcript NM_000642.3 (MANE Select); coding-DNA position 2822, C replaced by G.
Protein change: p.Ser941Cys; replaces serine 941 with cysteine.
Molecular consequence: missense variant.
Genome position (GRCh38, 1-based): chr1:99,891,229, C>G. VCF-style: chr1-99891229-C-G. GRCh37 (hg19) VCF-style: chr1-100356785-C-G.
Other names: c.2822C>G, p.Ser941Cys (NM_000028.3, NM_000643.3, NM_000644.3 and 1 more transcripts); c.2774C>G, p.Ser925Cys (NM_000646.3); c.2621C>G, p.Ser874Cys (NM_001425327.1); c.2618C>G, p.Ser873Cys (NM_001425328.1); c.2483C>G, p.Ser828Cys (NM_001425329.1); c.2444C>G, p.Ser815Cys (NM_001425332.1); short protein forms S925C, S941C, S815C, S828C, S873C, S874C.
Identifiers: ClinVar variation 2585618 (VCV002585618.3), dbSNP rs1652870144, ClinGen allele CA341324835.
Genomic context (GRCh38, chr1:99,891,229, plus strand): 5'-AACAAATTGATGCTACCAATAATACAGCATGACATGTCTCTGAATTTTCAGGTTTAATGT[C>G]TGTATTGGCAGAAATAAGACCAAAGAATGACTTGGGGCATCCTTTTTGTAATAATTTGAG-3'
Protein context (NP_000633.2, residues 931-951): LKYAGLQGLM[Ser941Cys]VLAEIRPKND